The following is an entry in ClinVar:

NM_031454.2(SELENOO):c.2000G>C

Gene: SELENOO (selenoprotein O; plus strand). Cytogenetic location: 22q13.33.
Variant type: single nucleotide variant.
Coding change: c.2000G>C on transcript NM_031454.2 (MANE Select); coding-DNA position 2000, G replaced by C.
Genome position (GRCh38, 1-based): chr22:50,217,359, G>C. VCF-style: chr22-50217359-G-C. GRCh37 (hg19) VCF-style: chr22-50655788-G-C.
Identifiers: ClinVar variation 3439343 (VCV003439343.1).

ClinVar aggregate classification (germline): Uncertain significance (1 of 4 stars; one submission).

gnomAD v4.1: 72 of 1,612,640 alleles (0.0045%); highest among the groups gnomAD compares: Non-Finnish European, 0.0057%; no homozygotes.

Submission:

Ambry Genetics
Classification: Uncertain significance. Last evaluated: 2024-12-04. Review status: criteria provided, single submitter. Criteria: Ambry Variant Classification Scheme 2023. Collection method: clinical testing. Allele origin: germline.
Comment: The c.2000G>C (p.U667S) alteration is located in exon 9 (coding exon 9) of the SELO gene. This alteration results from a G to C substitution at nucleotide position 2000, causing the None (U) at amino acid position 667 to be replaced by a serine (S). Based on insufficient or conflicting evidence, the clinical significance of this alteration remains unclear.